The following is an entry in ClinVar:

NM_000051.4(ATM):c.8879G>A (p.Trp2960Ter)

Genes: ATM (ATM serine/threonine kinase; plus strand), C11orf65 (chromosome 11 open reading frame 65; minus strand). Cytogenetic location: 11q22.3.
Variant type: single nucleotide variant.
Coding change: c.8879G>A on transcript NM_000051.4 (MANE Select); coding-DNA position 8879, G replaced by A.
Protein change: p.Trp2960Ter; replaces tryptophan 2960 with a stop codon.
Molecular consequence: nonsense. On other transcripts: intron variant (2).
Genome position (GRCh38, 1-based): chr11:108,365,110, G>A. VCF-style: chr11-108365110-G-A. GRCh37 (hg19) VCF-style: chr11-108235837-G-A.
Other names: c.8879G>A, p.Trp2960Ter (NM_001351834.2); c.640+20810C>T (NM_001330368.2); c.694+20810C>T (NM_001351110.2); short protein forms W2960*.
Identifiers: ClinVar variation 429062 (VCV000429062.24), dbSNP rs1131691149, ClinGen allele CA382529659.

ClinVar aggregate classification (germline): Pathogenic. Review status: criteria provided, multiple submitters, no conflicts (2 of 4 stars). 5 submissions from 5 submitters: Pathogenic (5). Last evaluated 2024-06-12.

Conditions:
Familial cancer of breast. Also called: Hereditary breast cancer; BREAST CANCER, FAMILIAL; hereditary breast carcinoma. Identifiers: Orphanet 227535, MedGen C0346153, MONDO:0016419, OMIM 114480. Disease mechanism: loss of function.
Ataxia-telangiectasia syndrome (AT). Also called: LOUIS-BAR SYNDROME; Cerebello-oculocutaneous telangiectasia; Immunodeficiency with ataxia telangiectasia; Ataxia-telangiectasia, complementation group D; AT, COMPLEMENTATION GROUP C; Ataxia-telangiectasia, complementation group E. Identifiers: Orphanet 100, MedGen C0004135, MONDO:0008840, OMIM 208900.
Hereditary cancer-predisposing syndrome. Also called: Neoplastic Syndromes, Hereditary; Hereditary Cancer Syndrome; Tumor predisposition; Hereditary neoplastic syndrome. Identifiers: Orphanet 140162, MedGen C0027672, MeSH D009386, MONDO:0015356.

Allele frequency attached by ClinVar (database versions not stated): gnomAD exomes below 0.00001.
gnomAD v4.1: 1 of 1,614,090 alleles (0.000062%); highest among the groups gnomAD compares: South Asian, 0.0011%; no homozygotes.

Submissions (5):

Ambry Genetics
Classification: Pathogenic for Hereditary cancer-predisposing syndrome. Last evaluated: 2024-06-12. Review status: criteria provided, single submitter. Criteria: Ambry Variant Classification Scheme 2023. Collection method: clinical testing. Allele origin: germline.
Comment: The p.W2960* pathogenic mutation (also known as c.8879G>A), located in coding exon 61 of the ATM gene, results from a G to A substitution at nucleotide position 8879. This changes the amino acid from a tryptophan to a stop codon within coding exon 61. This alteration has been reported in 1 of 119 ataxia telangiectasia (A-T) chromosomes (Li A et al. Am. J. Med. Genet. 2000 May;92:170-7). In addition, this alteration was detected in a cohort of 221 patients with prostate cancer (Abida W et al. JCO Precis Oncol, 2017 Jul;2017:) as well as in a cohort of 54 patients with features suggestive of hereditary gastric cancer (Vogelaar IP et al. Eur. J. Hum. Genet., 2017 11;25:1246-1252). This variant is considered to be rare based on population cohorts in the Genome Aggregation Database (gnomAD). In addition to the clinical data presented in the literature, this alteration is expected to result in loss of function by premature protein truncation or nonsense-mediated mRNA decay. As such, this alteration is interpreted as a disease-causing mutation.

Labcorp Genetics (formerly Invitae), Labcorp
Classification: Pathogenic for Ataxia-telangiectasia syndrome. Last evaluated: 2024-05-24. Review status: criteria provided, single submitter. Criteria: Invitae Variant Classification Sherloc (09022015). Collection method: clinical testing. Allele origin: germline.
Comment: This sequence change creates a premature translational stop signal (p.Trp2960*) in the ATM gene. It is expected to result in an absent or disrupted protein product. Loss-of-function variants in ATM are known to be pathogenic (PMID: 23807571, 25614872). This variant is not present in population databases (gnomAD no frequency). This premature translational stop signal has been observed in individual(s) with ataxia-telangiectasia and prostate cancer (PMID: 10817650, 28825054). ClinVar contains an entry for this variant (Variation ID: 429062). For these reasons, this variant has been classified as Pathogenic.

Myriad Genetics, Inc.
Classification: Pathogenic for Familial cancer of breast. Last evaluated: 2024-02-06. Review status: criteria provided, single submitter. Criteria: Myriad Autosomal Dominant, Autosomal Recessive and X-Linked Classification Criteria (2023). Collection method: clinical testing. Allele origin: unknown.
Comment: This variant is considered pathogenic. This variant creates a termination codon and is predicted to result in premature protein truncation.

Color Diagnostics, LLC DBA Color Health
Classification: Pathogenic for Hereditary cancer-predisposing syndrome. Last evaluated: 2023-09-12. Review status: criteria provided, single submitter. Criteria: ACMG Guidelines, 2015. Collection method: clinical testing. Allele origin: germline.
Comment: This variant changes 1 nucleotide in exon 62 of the ATM gene, creating a premature translation stop signal. This variant is expected to result in an absent or non-functional protein product. This variant has been reported in individuals affected with ataxia-tel, gastric adenocarinoma, and prostate cancer (PMID: 10817650, 28825054, 28825054, 28875981). This variant has not been identified in the general population by the Genome Aggregation Database (gnomAD). Loss of ATM function is a known mechanism of disease. Based on the available evidence, this variant is classified as Pathogenic.

Baylor Genetics
Classification: Pathogenic for Familial cancer of breast. Last evaluated: 2022-11-03. Review status: criteria provided, single submitter. Criteria: ACMG Guidelines, 2015. Collection method: clinical testing. Allele origin: unknown.

Literature cited by the submitters: PubMed 10817650 (cited by 3 submitters); PubMed 28716242 (cited by Ambry Genetics); PubMed 28825054 (cited by 3 submitters); PubMed 28873162 (cited by Ambry Genetics); PubMed 28875981 (cited by Ambry Genetics and Color Diagnostics, LLC DBA Color Health); PubMed 23807571 (cited by Labcorp Genetics (formerly Invitae), Labcorp); PubMed 25614872 (cited by Labcorp Genetics (formerly Invitae), Labcorp).